The following is an entry in ClinVar:

NM_001267550.2(TTN):c.105429C>T (p.Gly35143=)

Genes: TTN-AS1 (TTN antisense RNA 1; plus strand), TTN (titin; minus strand). Cytogenetic location: 2q31.2.
Variant type: single nucleotide variant.
Coding change: c.105429C>T on transcript NM_001267550.2 (MANE Select); coding-DNA position 105429, C replaced by T.
Protein change: p.Gly35143=; no amino-acid change (glycine 35143 retained).
Molecular consequence: synonymous variant.
Genome position (GRCh38, 1-based): chr2:178,531,186, G>A on the plus strand (C>T on the coding strand, the complement: TTN is on the minus strand). VCF-style: chr2-178531186-G-A. GRCh37 (hg19) VCF-style: chr2-179395913-G-A.
Other names: c.100506C>T, p.Gly33502= (NM_001256850.1); c.78234C>T, p.Gly26078= (NM_003319.4); c.97725C>T, p.Gly32575= (NM_133378.4); c.78609C>T, p.Gly26203= (NM_133432.3); c.78810C>T, p.Gly26270= (NM_133437.4).
Identifiers: ClinVar variation 466739 (VCV000466739.39), dbSNP rs368591364, ClinGen allele CA1985261.
Genomic context (GRCh38, chr2:178,531,186, plus strand): 5'-CAGCCAGGTCACAGTTGGTACCGGCTCACCATCGGTGTCACAAGAAAACCTTGCAGACTC[G>A]CCCTCGTAGACGGTCATGGACCGTGGCTTTGTTAGAATTCTTGCTGCCAAAGTCGTCTTG-3'
Protein context (NP_001254479.2, residues 35133-35153): TKPRSMTVYE[Gly35143=]ESARFSCDTD

ClinVar aggregate classification (germline): Likely benign. Review status: criteria provided, multiple submitters, no conflicts (2 of 4 stars). 3 submissions from 3 submitters: Likely benign (3). Last evaluated 2025-09-25.

Conditions:
Cardiovascular phenotype. Identifiers: MedGen CN230736.
Dilated cardiomyopathy 1G (CMD1G). Identifiers: Orphanet 154, MedGen C1858763, MONDO:0011400, OMIM 604145.
Autosomal recessive limb-girdle muscular dystrophy type 2J (LGMDR10). Also called: Limb-girdle muscular dystrophy, type 2J; MUSCULAR DYSTROPHY, LIMB-GIRDLE, AUTOSOMAL RECESSIVE 10. Identifiers: Orphanet 140922, MedGen C1837342, MONDO:0012127, OMIM 608807.

Allele frequency attached by ClinVar (database versions not stated): TOPMed below 0.00001; gnomAD 0.00001; ExAC 0.00002; ESP Exome Variant Server 0.00008.
gnomAD v4.1: 15 of 1,613,804 alleles (0.00093%); highest among the groups gnomAD compares: Admixed American, 0.0083%; no homozygotes.

Submissions (3):

Labcorp Genetics (formerly Invitae), Labcorp
Classification: Likely benign for Dilated cardiomyopathy 1G; Autosomal recessive limb-girdle muscular dystrophy type 2J. Last evaluated: 2025-09-25. Review status: criteria provided, single submitter. Criteria: Invitae Variant Classification Sherloc (09022015). Collection method: clinical testing. Allele origin: germline.

CeGaT Center for Human Genetics Tuebingen
Classification: Likely benign. Last evaluated: 2024-06-01. Review status: criteria provided, single submitter. Criteria: CeGaT Center For Human Genetics Tuebingen Variant Classification Criteria Version 2. Collection method: clinical testing. Allele origin: germline. Affected: yes. Observed: 1 variant allele.
Comment: TTN: BP4, BP7

Ambry Genetics
Classification: Likely benign for Cardiovascular phenotype. Last evaluated: 2021-03-19. Review status: criteria provided, single submitter. Criteria: Ambry Variant Classification Scheme 2023. Collection method: clinical testing. Allele origin: germline.